The following is an entry in ClinVar:

NM_177438.3(DICER1):c.2854A>G (p.Thr952Ala)

Gene: DICER1 (dicer 1, ribonuclease III; minus strand). Cytogenetic location: 14q32.13.
Variant type: single nucleotide variant.
Coding change: c.2854A>G on transcript NM_177438.3 (MANE Select); coding-DNA position 2854, A replaced by G.
Protein change: p.Thr952Ala; replaces threonine 952 with alanine.
Molecular consequence: missense variant.
Genome position (GRCh38, 1-based): chr14:95,106,174, T>C on the plus strand (A>G on the coding strand, the complement: DICER1 is on the minus strand). VCF-style: chr14-95106174-T-C. GRCh37 (hg19) VCF-style: chr14-95572511-T-C.
Other names: c.2854A>G, p.Thr952Ala (NM_001195573.1, NM_001271282.3, NM_001291628.2 and 1 more transcripts); short protein forms T952A.
Identifiers: ClinVar variation 412139 (VCV000412139.20), dbSNP rs1060503636, ClinGen allele CA16614220.

ClinVar aggregate classification (germline): Uncertain significance. Review status: criteria provided, multiple submitters, no conflicts (2 of 4 stars). 4 submissions from 4 submitters: Uncertain significance (4). Last evaluated 2025-10-14.

Conditions:
Global developmental delay - lung cysts - overgrowth - Wilms tumor syndrome. Also called: GLOW Syndrome; GLOBAL DEVELOPMENTAL DELAY, LUNG CYSTS, OVERGROWTH, AND WILMS TUMOR. Identifiers: Orphanet 404476, MedGen C4748924, MONDO:0018445, OMIM 618272.
DICER1-related tumor predisposition. Also called: DICER1-related pleuropulmonary blastoma cancer predisposition syndrome; DICER1 syndrome. Identifiers: Orphanet 284343, MedGen C3839822, MONDO:0100216.
Hereditary cancer-predisposing syndrome. Also called: Neoplastic Syndromes, Hereditary; Tumor predisposition; Hereditary Cancer Syndrome; Hereditary neoplastic syndrome. Identifiers: Orphanet 140162, MedGen C0027672, MeSH D009386, MONDO:0015356.

Allele frequency attached by ClinVar (database versions not stated): TOPMed 0.00001.
gnomAD v4.1: 1 of 1,614,128 alleles (0.000062%); highest among the groups gnomAD compares: South Asian, 0.0011%; no homozygotes.

Submissions (4):

Ambry Genetics
Classification: Uncertain significance for Hereditary cancer-predisposing syndrome. Last evaluated: 2025-10-14. Review status: criteria provided, single submitter. Criteria: Ambry Variant Classification Scheme 2023. Collection method: clinical testing. Allele origin: germline.
Comment: The p.T952A variant (also known as c.2854A>G), located in coding exon 17 of the DICER1 gene, results from an A to G substitution at nucleotide position 2854. The threonine at codon 952 is replaced by alanine, an amino acid with similar properties. This amino acid position is highly conserved in available vertebrate species. In addition, the in silico prediction for this alteration is inconclusive. Since supporting evidence is limited at this time, the clinical significance of this alteration remains unclear.

Labcorp Genetics (formerly Invitae), Labcorp
Classification: Uncertain significance for DICER1-related tumor predisposition. Last evaluated: 2025-08-18. Review status: criteria provided, single submitter. Criteria: Invitae Variant Classification Sherloc (09022015). Collection method: clinical testing. Allele origin: germline.
Comment: This sequence change replaces threonine, which is neutral and polar, with alanine, which is neutral and non-polar, at codon 952 of the DICER1 protein (p.Thr952Ala). This variant is not present in population databases (gnomAD no frequency). This variant has not been reported in the literature in individuals affected with DICER1-related conditions. ClinVar contains an entry for this variant (Variation ID: 412139). Invitae Evidence Modeling of protein sequence and biophysical properties (such as structural, functional, and spatial information, amino acid conservation, physicochemical variation, residue mobility, and thermodynamic stability) indicates that this missense variant is not expected to disrupt DICER1 protein function with a negative predictive value of 95%. In summary, the available evidence is currently insufficient to determine the role of this variant in disease. Therefore, it has been classified as a Variant of Uncertain Significance.

Blueprint Genetics
Classification: Uncertain significance. Last evaluated: 2023-11-15. Review status: criteria provided, single submitter. Criteria: ACMG Guidelines, 2015. Collection method: clinical testing. Allele origin: germline.

Baylor Genetics
Classification: Uncertain significance for Global developmental delay - lung cysts - overgrowth - Wilms tumor syndrome. Last evaluated: 2023-05-14. Review status: criteria provided, single submitter. Criteria: ACMG Guidelines, 2015. Collection method: clinical testing. Allele origin: unknown.